The following is an entry in ClinVar:

NM_182493.3(MYLK3):c.568+3G>A

Gene: MYLK3 (myosin light chain kinase 3; minus strand). Cytogenetic location: 16q11.2.
Variant type: single nucleotide variant.
Coding change: c.568+3G>A on transcript NM_182493.3 (MANE Select); 3 bases into the intron after coding-DNA position 568, G replaced by A.
Molecular consequence: intron variant.
Genome position (GRCh38, 1-based): chr16:46,740,054, C>T on the plus strand (G>A on the coding strand, the complement: MYLK3 is on the minus strand). VCF-style: chr16-46740054-C-T. GRCh37 (hg19) VCF-style: chr16-46773966-C-T.
Other names: c.-23+3G>A (NM_001308301.1).
Identifiers: ClinVar variation 1350201 (VCV001350201.6), dbSNP rs375230739, ClinGen allele CA8038210.

ClinVar aggregate classification (germline): Uncertain significance (1 of 4 stars; one submission).

Allele frequency attached by ClinVar (database versions not stated): gnomAD exomes 0.00002 and 0.00018; ExAC 0.00004; TOPMed 0.00004; gnomAD 0.00005; ESP Exome Variant Server 0.00008.
gnomAD v4.1: 261 of 1,608,822 alleles (0.016%); highest among the groups gnomAD compares: Non-Finnish European, 0.022%; 1 homozygote.

Submission:

Labcorp Genetics (formerly Invitae), Labcorp
Classification: Uncertain significance. Last evaluated: 2025-12-09. Review status: criteria provided, single submitter. Criteria: Invitae Variant Classification Sherloc (09022015). Collection method: clinical testing. Allele origin: germline.
Comment: This sequence change falls in intron 2 of the MYLK3 gene. It does not directly change the encoded amino acid sequence of the MYLK3 protein. It affects a nucleotide within the consensus splice site. This variant is present in population databases (rs375230739, gnomAD 0.007%). This variant has not been reported in the literature in individuals affected with MYLK3-related conditions. ClinVar contains an entry for this variant (Variation ID: 1350201). Variants that disrupt the consensus splice site are a relatively common cause of aberrant splicing (PMID: 17576681, 9536098). Algorithms developed to predict the effect of sequence changes on RNA splicing suggest that this variant is not likely to affect RNA splicing. In summary, the available evidence is currently insufficient to determine the role of this variant in disease. Therefore, it has been classified as a Variant of Uncertain Significance.

Literature cited by the submitters: PubMed 17576681; PubMed 9536098.